The following is an entry in ClinVar:

NM_001164508.2(NEB):c.1659_1662dup (p.Asn555delinsLeuTer)

Gene: NEB (nebulin; minus strand). Cytogenetic location: 2q23.3.
Variant type: Duplication.
Coding change: c.1659_1662dup on transcript NM_001164508.2 (MANE Select); coding-DNA positions 1659 to 1662, 4 bases duplicated (CTAT; older notation c.1659_1662dupCTAT).
Protein change: p.Asn555delinsLeuTer.
Molecular consequence: nonsense.
Genome position (GRCh38, 1-based): chr2:151,695,590-151,695,593, ATAG duplicated on the plus strand (CTAT on the coding strand, the reverse complement: NEB is on the minus strand). VCF-style (leftmost placement, unchanged base first): chr2-151695589-T-TATAG. GRCh37 (hg19) VCF-style: chr2-152552103-T-TATAG.
Other names: c.1659_1662dup, p.Asn555delinsLeuTer (NM_001164507.2, NM_001271208.2, NM_004543.5).
Identifiers: ClinVar variation 2757861 (VCV002757861.3), dbSNP rs2552269090, ClinGen allele CA2697551152.

ClinVar aggregate classification (germline): Pathogenic (1 of 4 stars; one submission).

Conditions:
Nemaline myopathy 2 (NEM2). Also called: Nemaline myopathy 2, autosomal recessive. Identifiers: MedGen C1850569, MONDO:0009725, OMIM 256030.

Submission:

Labcorp Genetics (formerly Invitae), Labcorp
Classification: Pathogenic for Nemaline myopathy 2. Last evaluated: 2023-06-02. Review status: criteria provided, single submitter. Criteria: Invitae Variant Classification Sherloc (09022015). Collection method: clinical testing. Allele origin: germline.
Comment: For these reasons, this variant has been classified as Pathogenic. Algorithms developed to predict the effect of sequence changes on RNA splicing suggest that this variant may disrupt the consensus splice site. This variant has not been reported in the literature in individuals affected with NEB-related conditions. This variant is not present in population databases (gnomAD no frequency). This sequence change creates a premature translational stop signal (p.Asn555Leufs*2) in the NEB gene. It is expected to result in an absent or disrupted protein product. Loss-of-function variants in NEB are known to be pathogenic (PMID: 25205138).

Literature cited by the submitters: PubMed 25205138.